The following is an entry in ClinVar:

NM_001317950.2(AKNA):c.1052G>A (p.Arg351Gln)

Gene: AKNA (AT-hook transcription factor; minus strand). Cytogenetic location: 9q32.
Variant type: single nucleotide variant.
Coding change: c.1052G>A on transcript NM_001317950.2 (MANE Select); coding-DNA position 1052, G replaced by A.
Protein change: p.Arg351Gln; replaces arginine 351 with glutamine.
Molecular consequence: missense variant.
Genome position (GRCh38, 1-based): chr9:114,376,755, C>T on the plus strand (G>A on the coding strand, the complement: AKNA is on the minus strand). VCF-style: chr9-114376755-C-T. GRCh37 (hg19) VCF-style: chr9-117139035-C-T.
Other names: c.695G>A, p.Arg232Gln (NM_001317952.1); c.1052G>A, p.Arg351Gln (NM_030767.5); short protein forms R351Q, R232Q.
Identifiers: ClinVar variation 2227291 (VCV002227291.26), dbSNP rs552700642, ClinGen allele CA5205261.
Genomic context (GRCh38, chr9:114,376,755, plus strand): 5'-GGGAATCTCACCCGGGGCCCTACCTTGGAGAAATCAGGGAGTGGGTAGTTCAACTGCCCC[C>T]GGCCATACTTGGGGGCATTAGAAGAGGAGCGGCCAGCCAGAGTGGCTCCCTGTCTGGGCA-3'
Protein context (NP_001304879.1, residues 341-361): RSSSNAPKYG[Arg351Gln]GQLNYPLPDF

ClinVar aggregate classification (germline): Uncertain significance. Review status: criteria provided, multiple submitters, no conflicts (2 of 4 stars). 2 submissions from 2 submitters: Uncertain significance (2). Last evaluated 2023-08-01.

Allele frequency attached by ClinVar (database versions not stated): gnomAD 0.00002; TOPMed 0.00004; gnomAD exomes 0.00007; ExAC 0.00018; 1000 Genomes Project 0.00040; 1000 Genomes Project 30x 0.00047.
gnomAD v4.1: 112 of 1,612,548 alleles (0.0069%); highest among the groups gnomAD compares: South Asian, 0.089%; 1 homozygote.

Submissions (2):

CeGaT Center for Human Genetics Tuebingen
Classification: Uncertain significance. Last evaluated: 2023-08-01. Review status: criteria provided, single submitter. Criteria: CeGaT Center For Human Genetics Tuebingen Variant Classification Criteria Version 2. Collection method: clinical testing. Allele origin: germline. Affected: yes. Observed: 1 variant allele.
Comment: AKNA: PM2, BP4

Ambry Genetics
Classification: Uncertain significance. Last evaluated: 2021-10-12. Review status: criteria provided, single submitter. Criteria: Ambry Variant Classification Scheme 2023. Collection method: clinical testing. Allele origin: germline.